The following is an entry in ClinVar:

ClinVar aggregate classification (germline): Uncertain significance (1 of 4 stars; one submission).

Conditions:
Hereditary cancer-predisposing syndrome. Also called: Neoplastic Syndromes, Hereditary; Tumor predisposition; Hereditary neoplastic syndrome; Hereditary Cancer Syndrome. Identifiers: Orphanet 140162, MedGen C0027672, MeSH D009386, MONDO:0015356.

Submission:

Ambry Genetics
Classification: Uncertain significance for Hereditary cancer-predisposing syndrome. Last evaluated: 2026-06-19. Review status: criteria provided, single submitter. Criteria: Ambry Variant Classification Scheme 2023. Collection method: clinical testing. Allele origin: germline.
Comment: The p.L615F variant (also known as c.1843C>T), located in coding exon 11 of the SMARCA4 gene, results from a C to T substitution at nucleotide position 1843. The leucine at codon 615 is replaced by phenylalanine, an amino acid with highly similar properties. This amino acid position is conserved. In addition, the in silico prediction for this alteration is inconclusive. Based on the available evidence, the clinical significance of this variant remains unclear.

NM_003072.5(SMARCA4):c.1843C>T (p.Leu615Phe)

Gene: SMARCA4 (SWI/SNF related BAF chromatin remodeling complex subunit ATPase 4; plus strand). Cytogenetic location: 19p13.2.
Variant type: single nucleotide variant.
Coding change: c.1843C>T on transcript NM_003072.5 (MANE Select); coding-DNA position 1843, C replaced by T.
Protein change: p.Leu615Phe; replaces leucine 615 with phenylalanine.
Molecular consequence: missense variant. On other transcripts: non-coding transcript variant (1).
Genome position (GRCh38, 1-based): chr19:11,003,059, C>T. VCF-style: chr19-11003059-C-T. GRCh37 (hg19) VCF-style: chr19-11113735-C-T.
Other names: c.1843C>T, p.Leu615Phe (NM_001128844.3, NM_001128845.2, NM_001128846.2 and 6 more transcripts); short protein forms L615F.
Identifiers: ClinVar variation 5029816 (VCV005029816.1).